The following is an entry in ClinVar:

NM_014727.3(KMT2B):c.3146C>T (p.Ala1049Val)

Gene: KMT2B (lysine methyltransferase 2B; plus strand). Cytogenetic location: 19q13.12.
Variant type: single nucleotide variant.
Coding change: c.3146C>T on transcript NM_014727.3 (MANE Select); coding-DNA position 3146, C replaced by T.
Protein change: p.Ala1049Val; replaces alanine 1049 with valine.
Molecular consequence: missense variant.
Genome position (GRCh38, 1-based): chr19:35,723,819, C>T. VCF-style: chr19-35723819-C-T. GRCh37 (hg19) VCF-style: chr19-36214720-C-T.
Other names: short protein forms A1049V.
Identifiers: ClinVar variation 4883603 (VCV004883603.2).

ClinVar aggregate classification (germline): Uncertain significance (1 of 4 stars; one submission).

Submission:

Dasa
Classification: Uncertain significance. Last evaluated: 2026-01-15. Review status: criteria provided, single submitter. Criteria: DASA Assertion Criteria. Collection method: clinical testing. Allele origin: germline.
Comment: NM_014727.3(KMT2B):c.3146C>T (p.Ala1049Val) is a missense variant that results in the substitution of alanine with valine. This variant is rare in population databases. Computational prediction algorithms are consistent with a benign effect. The currently available literature and clinical evidence are not sufficient to establish a definitive association between this variant and the reported condition. Therefore, this variant is classified as a variant of uncertain significance.